The following is an entry in ClinVar:

NM_001371904.1(APOA5):c.491G>T (p.Gly164Val)

Gene: APOA5 (apolipoprotein A5; minus strand). Cytogenetic location: 11q23.3.
Variant type: single nucleotide variant.
Coding change: c.491G>T on transcript NM_001371904.1 (MANE Select); coding-DNA position 491, G replaced by T.
Protein change: p.Gly164Val; replaces glycine 164 with valine.
Molecular consequence: missense variant.
Genome position (GRCh38, 1-based): chr11:116,790,738, C>A on the plus strand (G>T on the coding strand, the complement: APOA5 is on the minus strand). VCF-style: chr11-116790738-C-A. GRCh37 (hg19) VCF-style: chr11-116661454-C-A.
Other names: c.491G>T, p.Gly164Val (NM_001166598.2, NM_052968.5); short protein forms G164V.
Identifiers: ClinVar variation 4820421 (VCV004820421.1).
Genomic context (GRCh38, chr11:116,790,738, plus strand): 5'-GTGTGGTGCACCACGCGGCTCTGCAGTCCCTGCAGCAAAGCCCAAGCCTCGTCCACGCCC[C>A]CCAGCAACTGGGCCTTGGTGTCTTCCCCCACCACGCGCAACTGCTCCTGCAGCTCCTGCA-3'
Protein context (NP_001358833.1, residues 154-174): VGEDTKAQLL[Gly164Val]GVDEAWALLQ

ClinVar aggregate classification (germline): Uncertain significance (1 of 4 stars; one submission).

Conditions:
Cardiovascular phenotype. Identifiers: MedGen CN230736.

Submission:

Molecular Diagnostic Laboratory for Inherited Cardiovascular Disease, Montreal Heart Institute
Classification: Uncertain significance for Cardiovascular phenotype. Last evaluated: 2026-03-27. Review status: criteria provided, single submitter. Criteria: ACMG Guidelines, 2015. Collection method: clinical testing. Allele origin: germline. Affected: yes.
Comment: PM2